The following is an entry in ClinVar:

ClinVar aggregate classification (germline): Uncertain significance (1 of 4 stars; one submission).

Submission:

Clinical Genomics Laboratory, Laboratory for Precision Diagnostics, University of Washington
Classification: Uncertain significance. Last evaluated: 2022-02-10. Review status: criteria provided, single submitter. Criteria: ACMG/ClinGen CNV Guidelines, 2019. Collection method: clinical testing. Allele origin: unknown. Affected: yes. Observed: 1 variant allele.
Comment: This duplication is approximately 1.45 Mb in size and encompasses the entirety of the protein-coding gene FSTL5 as well as an uncharacterized gene. FSTL5 is not known to cause medical problems in humans when an extra copy is present (triplosensitivity), and this duplication is not within and does not overlap a known triplosensitive genomic region. A review of public databases (ClinVar, DECIPHER) and the medical literature shows no reports of patients with a similar duplication. The Database of Genomic Variants contains two similar duplications at very low frequency.

GRCh38/hg38 4q32.2(chr4:160874680-162324022)x3

Genes: FSTL5 (follistatin like 5; minus strand), FSTL5-AS1 (FSTL5 antisense RNA 1; plus strand), LOC121725193 (Sharpr-MPRA regulatory region 7835; plus strand), LOC126807208 (CDK7 strongly-dependent group 2 enhancer GRCh37_chr4:162857394-162858593; plus strand), LOC129993313 (ATAC-STARR-seq lymphoblastoid silent region 15779; plus strand) and 17 more. Cytogenetic location: 4q32.2.
Variant type: copy number gain.
Change: copy number 3 (three copies instead of two) of chr4:160,874,680-162,324,022 (1.45 Mb, GRCh38 coordinates, 1-based), cytogenetic band 4q32.2.
Identifiers: ClinVar variation 4852024 (VCV004852024.1).